The following is an entry in ClinVar:

NM_004006.3(DMD):c.1672C>G (p.Leu558Val)

Gene: DMD (dystrophin; minus strand). Cytogenetic location: Xp21.1.
Variant type: single nucleotide variant.
Coding change: c.1672C>G on transcript NM_004006.3 (MANE Select); coding-DNA position 1672, C replaced by G.
Protein change: p.Leu558Val; replaces leucine 558 with valine.
Molecular consequence: missense variant.
Genome position (GRCh38, 1-based): chrX:32,573,777, G>C on the plus strand (C>G on the coding strand, the complement: DMD is on the minus strand). VCF-style: chrX-32573777-G-C. GRCh37 (hg19) VCF-style: chrX-32591894-G-C.
Other names: c.1648C>G, p.Leu550Val (NM_000109.4); c.1660C>G, p.Leu554Val (NM_004009.3); c.1303C>G, p.Leu435Val (NM_004010.3); short protein forms L435V, L554V, L558V, L550V.
Identifiers: ClinVar variation 3840475 (VCV003840475.1).

ClinVar aggregate classification (germline): Uncertain significance (1 of 4 stars; one submission).

Conditions:
Cardiovascular phenotype. Identifiers: MedGen CN230736.

Submission:

Ambry Genetics
Classification: Uncertain significance for Cardiovascular phenotype. Last evaluated: 2024-12-23. Review status: criteria provided, single submitter. Criteria: Ambry Variant Classification Scheme 2023. Collection method: clinical testing. Allele origin: germline.
Comment: The p.L558V variant (also known as c.1672C>G), located in coding exon 14 of the DMD gene, results from a C to G substitution at nucleotide position 1672. The leucine at codon 558 is replaced by valine, an amino acid with highly similar properties. Based on data from gnomAD, the G allele has an overall frequency of 0.0011% (2/182681) total alleles studied, with 1 hemizygote(s) observed. The highest observed frequency was 0.0076% (1/13124) of African/African American alleles. This amino acid position is highly conserved in available vertebrate species. In addition, this alteration is predicted to be deleterious by in silico analysis. Based on the available evidence, the clinical significance of this variant remains unclear.